The following is an entry in ClinVar:

ClinVar aggregate classification (germline): Uncertain significance (1 of 4 stars; one submission).

Submission:

GeneDx
Classification: Uncertain significance. Last evaluated: 2024-03-25. Review status: criteria provided, single submitter. Criteria: GeneDx Variant Classification Process June 2021. Collection method: clinical testing. Allele origin: germline. Affected: yes.
Comment: Not observed at significant frequency in large population cohorts (gnomAD); In silico analysis supports that this missense variant has a deleterious effect on protein structure/function; In silico analysis also supports a deleterious effect on splicing; Has not been previously published as pathogenic or benign to our knowledge

NM_003922.4(HERC1):c.11336G>T (p.Gly3779Val)

Gene: HERC1 (HECT and RLD domain containing E3 ubiquitin protein ligase family member 1; minus strand). Cytogenetic location: 15q22.31.
Variant type: single nucleotide variant.
Coding change: c.11336G>T on transcript NM_003922.4 (MANE Select); coding-DNA position 11336, G replaced by T.
Protein change: p.Gly3779Val; replaces glycine 3779 with valine.
Molecular consequence: missense variant.
Genome position (GRCh38, 1-based): chr15:63,643,054, C>A on the plus strand (G>T on the coding strand, the complement: HERC1 is on the minus strand). VCF-style: chr15-63643054-C-A. GRCh37 (hg19) VCF-style: chr15-63935253-C-A.
Other names: short protein forms G3779V.
Identifiers: ClinVar variation 3371019 (VCV003371019.1).